The following is an entry in ClinVar:

ClinVar aggregate classification (germline): Uncertain significance. Review status: criteria provided, multiple submitters, no conflicts (2 of 4 stars). 2 submissions from 2 submitters: Uncertain significance (2). Last evaluated 2024-02-26.

Allele frequency attached by ClinVar (database versions not stated): TOPMed 0.00003; gnomAD 0.00006; ExAC 0.00009; ESP Exome Variant Server 0.00015.
gnomAD v4.1: 118 of 1,613,918 alleles (0.0073%); highest among the groups gnomAD compares: Non-Finnish European, 0.0079%; no homozygotes.

Submissions (2):

Labcorp Genetics (formerly Invitae), Labcorp
Classification: Uncertain significance. Last evaluated: 2024-02-26. Review status: criteria provided, single submitter. Criteria: Invitae Variant Classification Sherloc (09022015). Collection method: clinical testing. Allele origin: germline.
Comment: This sequence change replaces arginine, which is basic and polar, with cysteine, which is neutral and slightly polar, at codon 527 of the PTPN23 protein (p.Arg527Cys). This variant is present in population databases (rs150002416, gnomAD 0.01%). This variant has not been reported in the literature in individuals affected with PTPN23-related conditions. ClinVar contains an entry for this variant (Variation ID: 1365604). Experimental studies and prediction algorithms are not available or were not evaluated, and the functional significance of this variant is currently unknown. In summary, the available evidence is currently insufficient to determine the role of this variant in disease. Therefore, it has been classified as a Variant of Uncertain Significance.

Blueprint Genetics
Classification: Uncertain significance. Last evaluated: 2022-04-29. Review status: criteria provided, single submitter. Criteria: ACMG Guidelines, 2015. Collection method: clinical testing. Allele origin: germline.

NM_015466.4(PTPN23):c.1579C>T (p.Arg527Cys)

Gene: PTPN23 (protein tyrosine phosphatase non-receptor type 23; plus strand). Cytogenetic location: 3p21.31.
Variant type: single nucleotide variant.
Coding change: c.1579C>T on transcript NM_015466.4 (MANE Select); coding-DNA position 1579, C replaced by T.
Protein change: p.Arg527Cys; replaces arginine 527 with cysteine.
Molecular consequence: missense variant.
Genome position (GRCh38, 1-based): chr3:47,409,024, C>T. VCF-style: chr3-47409024-C-T. GRCh37 (hg19) VCF-style: chr3-47450514-C-T.
Other names: c.1201C>T, p.Arg401Cys (NM_001304482.2); short protein forms R527C, R401C.
Identifiers: ClinVar variation 1365604 (VCV001365604.9), dbSNP rs150002416, ClinGen allele CA2365761.